The following is an entry in ClinVar:

NM_000395.3(CSF2RB):c.2132_2133del (p.Tyr711fs)

Gene: CSF2RB (colony stimulating factor 2 receptor subunit beta; plus strand). Cytogenetic location: 22q12.3.
Variant type: Deletion.
Coding change: c.2132_2133del on transcript NM_000395.3 (MANE Select); coding-DNA positions 2132 to 2133, 2 bases deleted (AT; older notation c.2132_2133delAT).
Protein change: p.Tyr711fs; shifts the reading frame from tyrosine 711.
Molecular consequence: frameshift variant.
Genome position (GRCh38, 1-based): chr22:36,937,940-36,937,941, AT deleted; deleting any 2 consecutive bases within chr22:36,937,939-36,937,941 gives the same sequence; the c. name uses the placement nearest the transcript's 3' end. VCF-style (leftmost placement, unchanged base first): chr22-36937938-TTA-T. GRCh37 (hg19) VCF-style: chr22-37333980-TTA-T.
Other names: short protein forms Y711fs.
Identifiers: ClinVar variation 1444220 (VCV001444220.6), dbSNP rs1210127938, ClinGen allele CA752880703.

ClinVar aggregate classification (germline): Uncertain significance (1 of 4 stars; one submission).

Submission:

Labcorp Genetics (formerly Invitae), Labcorp
Classification: Uncertain significance. Last evaluated: 2021-12-03. Review status: criteria provided, single submitter. Criteria: Invitae Variant Classification Sherloc (09022015). Collection method: clinical testing. Allele origin: germline.
Comment: This variant has not been reported in the literature in individuals affected with CSF2RB-related conditions. This variant is not present in population databases (gnomAD no frequency). This sequence change creates a premature translational stop signal (p.Tyr711Cysfs*53) in the CSF2RB gene. While this is not anticipated to result in nonsense mediated decay, it is expected to disrupt the last 187 amino acid(s) of the CSF2RB protein. Experimental studies and prediction algorithms are not available or were not evaluated, and the functional significance of this variant is currently unknown. In summary, the available evidence is currently insufficient to determine the role of this variant in disease. Therefore, it has been classified as a Variant of Uncertain Significance.